The following is an entry in ClinVar:

NM_001111.5(ADAR):c.578del (p.Pro193fs)

Gene: ADAR (adenosine deaminase RNA specific; minus strand). Cytogenetic location: 1q21.3.
Variant type: Deletion.
Coding change: c.578del on transcript NM_001111.5 (MANE Select); coding-DNA position 578, one base deleted (C; older notation c.578delC).
Protein change: p.Pro193fs; shifts the reading frame from proline 193.
Molecular consequence: frameshift variant. On other transcripts: 5 prime UTR variant (6).
Genome position (GRCh38, 1-based): chr1:154,602,064, G deleted on the plus strand (C on the coding strand, the reverse complement: ADAR is on the minus strand); the first of 5 consecutive G bases (chr1:154,602,064-154,602,068); deleting any one gives the same sequence. VCF-style (leftmost placement, unchanged base first): chr1-154602063-AG-A. GRCh37 (hg19) VCF-style: chr1-154574539-AG-A.
Other names: c.578del, p.Pro193fs (NM_015841.4, NM_015840.4); c.-308del (NM_001025107.3, NM_001193495.2, NM_001365046.1 and 3 more transcripts); c.605del, p.Pro202fs (NM_001365045.1); short protein forms P202fs, P193fs.
Identifiers: ClinVar variation 4784878 (VCV004784878.1).

ClinVar aggregate classification (germline): Pathogenic (1 of 4 stars; one submission).

Conditions:
Aicardi-Goutieres syndrome 6 (AGS6). Identifiers: Orphanet 51, MedGen C3539013, MONDO:0014007, OMIM 615010.
Symmetrical dyschromatosis of extremities (DSH). Also called: DYSCHROMATOSIS SYMMETRICA HEREDITARIA 1; RETICULATE ACROPIGMENTATION OF DOHI; SYMMETRIC DYSCHROMATOSIS OF THE EXTREMITIES; Dyschromatosis symmetrica hereditaria. Identifiers: Orphanet 41, MedGen C0406775, MONDO:0007483, OMIM 127400.

Submission:

Labcorp Genetics (formerly Invitae), Labcorp
Classification: Pathogenic for Aicardi-Goutieres syndrome 6; Symmetrical dyschromatosis of extremities. Last evaluated: 2025-05-05. Review status: criteria provided, single submitter. Criteria: Invitae Variant Classification Sherloc (09022015). Collection method: clinical testing. Allele origin: germline.
Comment: This sequence change creates a premature translational stop signal (p.Pro193Leufs*19) in the ADAR gene. It is expected to result in an absent or disrupted protein product. Loss-of-function variants in ADAR are known to be pathogenic (PMID: 22974014). This variant is not present in population databases (gnomAD no frequency). This variant has not been reported in the literature in individuals affected with ADAR-related conditions. For these reasons, this variant has been classified as Pathogenic.

Literature cited by the submitters: PubMed 22974014.